The following is an entry in ClinVar:

NM_005619.5(RTN2):c.1315G>A (p.Val439Met)

Genes: OPA3-RTN2 (OPA3-RTN2 readthrough; minus strand), RTN2 (reticulon 2; minus strand). Cytogenetic location: 19q13.32.
Variant type: single nucleotide variant.
Coding change: c.1315G>A on transcript NM_005619.5 (MANE Select); coding-DNA position 1315, G replaced by A.
Protein change: p.Val439Met; replaces valine 439 with methionine.
Molecular consequence: missense variant.
Genome position (GRCh38, 1-based): chr19:45,488,913, C>T on the plus strand (G>A on the coding strand, the complement: RTN2 is on the minus strand). VCF-style: chr19-45488913-C-T. GRCh37 (hg19) VCF-style: chr19-45992171-C-T.
Other names: c.1096G>A, p.Val366Met (NM_206900.3); c.295G>A, p.Val99Met (NM_206901.3); short protein forms V366M, V439M, V99M.
Identifiers: ClinVar variation 3233982 (VCV003233982.3), dbSNP rs144089256, ClinGen allele CA9516013.

ClinVar aggregate classification (germline): Uncertain significance. Review status: criteria provided, multiple submitters, no conflicts (2 of 4 stars). 2 submissions from 2 submitters: Uncertain significance (2). Last evaluated 2025-05-30.

Conditions:
Spastic paraplegia. Identifiers: MedGen C0037772, HP:0001258.

Allele frequency attached by ClinVar (database versions not stated): ExAC 0.00004; gnomAD 0.00005; TOPMed 0.00005; ESP Exome Variant Server 0.00008; 1000 Genomes Project 30x 0.00016; 1000 Genomes Project 0.00020.

Submissions (2):

Labcorp Genetics (formerly Invitae), Labcorp
Classification: Uncertain significance for Spastic paraplegia. Last evaluated: 2025-05-30. Review status: criteria provided, single submitter. Criteria: Invitae Variant Classification Sherloc (09022015). Collection method: clinical testing. Allele origin: germline.
Comment: This sequence change replaces valine, which is neutral and non-polar, with methionine, which is neutral and non-polar, at codon 439 of the RTN2 protein (p.Val439Met). This variant is present in population databases (rs144089256, gnomAD 0.009%). This variant has not been reported in the literature in individuals affected with RTN2-related conditions. ClinVar contains an entry for this variant (Variation ID: 3233982). An algorithm developed to predict the effect of missense changes on protein structure and function (PolyPhen-2) suggests that this variant is likely to be disruptive. In summary, the available evidence is currently insufficient to determine the role of this variant in disease. Therefore, it has been classified as a Variant of Uncertain Significance.

Women's Health and Genetics/Laboratory Corporation of America, LabCorp
Classification: Uncertain significance. Last evaluated: 2024-03-13. Review status: criteria provided, single submitter. Criteria: LabCorp Variant Classification Summary - May 2015. Collection method: clinical testing. Allele origin: germline.
Comment: Variant summary: RTN2 c.1315G>A (p.Val439Met) results in a conservative amino acid change located in the Reticulon domain (IPR003388) of the encoded protein sequence. Three of five in-silico tools predict a damaging effect of the variant on protein function. The variant allele was found at a frequency of 0.00038 in 348820 control chromosomes, predominantly at a frequency of 0.0012 in the Japanese subpopulation (gnomAD, jMorp (Tadaka_2024)). The available data on variant occurrences in the general population are insufficient to allow any conclusion about variant significance, however is not suggestive of a variant associated with autosomal dominant disease. To our knowledge, no occurrence of c.1315G>A in individuals affected with Spastic Paragplegia 12 and no experimental evidence demonstrating its impact on protein function have been reported. The following publication was ascertained in the context of this evaluation (PMID: 37930845). No submitters have cited clinical-significance assessments for this variant to ClinVar. Based on the evidence outlined above, the variant was classified as VUS-possibly benign.

Literature cited by the submitters: PubMed 37930845 (cited by Women's Health and Genetics/Laboratory Corporation of America, LabCorp).